The following is an entry in ClinVar:

NM_003737.4(DCHS1):c.4646C>G (p.Pro1549Arg)

Gene: DCHS1 (dachsous cadherin-related 1; minus strand). Cytogenetic location: 11p15.4.
Variant type: single nucleotide variant.
Coding change: c.4646C>G on transcript NM_003737.4 (MANE Select); coding-DNA position 4646, C replaced by G.
Protein change: p.Pro1549Arg; replaces proline 1549 with arginine.
Molecular consequence: missense variant.
Genome position (GRCh38, 1-based): chr11:6,630,148, G>C on the plus strand (C>G on the coding strand, the complement: DCHS1 is on the minus strand). VCF-style: chr11-6630148-G-C. GRCh37 (hg19) VCF-style: chr11-6651379-G-C.
Other names: short protein forms P1549R.
Identifiers: ClinVar variation 4807099 (VCV004807099.1).

ClinVar aggregate classification (germline): Uncertain significance (1 of 4 stars; one submission).

Submission:

Labcorp Genetics (formerly Invitae), Labcorp
Classification: Uncertain significance. Last evaluated: 2025-09-04. Review status: criteria provided, single submitter. Criteria: Invitae Variant Classification Sherloc (09022015). Collection method: clinical testing. Allele origin: germline.
Comment: This sequence change replaces proline, which is neutral and non-polar, with arginine, which is basic and polar, at codon 1549 of the DCHS1 protein (p.Pro1549Arg). This variant is not present in population databases (gnomAD no frequency). This variant has not been reported in the literature in individuals affected with DCHS1-related conditions. Invitae Evidence Modeling of protein sequence and biophysical properties (such as structural, functional, and spatial information, amino acid conservation, physicochemical variation, residue mobility, and thermodynamic stability) indicates that this missense variant is not expected to disrupt DCHS1 protein function with a negative predictive value of 80%. In summary, the available evidence is currently insufficient to determine the role of this variant in disease. Therefore, it has been classified as a Variant of Uncertain Significance.